The following is an entry in ClinVar:

NM_080473.5(GATA5):c.1168G>T (p.Ala390Ser)

Gene: GATA5 (GATA binding protein 5; minus strand). Cytogenetic location: 20q13.33.
Variant type: single nucleotide variant.
Coding change: c.1168G>T on transcript NM_080473.5 (MANE Select); coding-DNA position 1168, G replaced by T.
Protein change: p.Ala390Ser; replaces alanine 390 with serine.
Molecular consequence: missense variant.
Genome position (GRCh38, 1-based): chr20:62,464,862, C>A on the plus strand (G>T on the coding strand, the complement: GATA5 is on the minus strand). VCF-style: chr20-62464862-C-A. GRCh37 (hg19) VCF-style: chr20-61039918-C-A.
Other names: short protein forms A390S.
Identifiers: ClinVar variation 2634874 (VCV002634874.1), dbSNP rs1284765220, ClinGen allele CA409551601.

ClinVar aggregate classification (germline): Uncertain significance (1 of 4 stars; one submission).

Conditions:
GATA5-related disorder. Also called: GATA5-related condition.

Allele frequency attached by ClinVar (database versions not stated): gnomAD exomes below 0.00001.

Submission:

PreventionGenetics, part of Exact Sciences
Classification: Uncertain significance for GATA5-related condition. Last evaluated: 2022-09-13. Review status: criteria provided, single submitter. Criteria: ACMG Guidelines, 2015. Collection method: clinical testing. Allele origin: germline.
Comment: The GATA5 c.1168G>T variant is predicted to result in the amino acid substitution p.Ala390Ser. To our knowledge, this variant has not been reported in the literature. This variant is reported in 0.0033% of alleles in individuals of South Asian descent in gnomAD. At this time, the clinical significance of this variant is uncertain due to the absence of conclusive functional and genetic evidence.